The following is an entry in ClinVar:

NM_002474.3(MYH11):c.3205G>A (p.Glu1069Lys)

Gene: MYH11 (myosin heavy chain 11; minus strand). Cytogenetic location: 16p13.11.
Variant type: single nucleotide variant.
Coding change: c.3205G>A on transcript NM_002474.3 (MANE Select); coding-DNA position 3205, G replaced by A.
Protein change: p.Glu1069Lys; replaces glutamic acid 1069 with lysine.
Molecular consequence: missense variant.
Genome position (GRCh38, 1-based): chr16:15,737,537, C>T on the plus strand (G>A on the coding strand, the complement: MYH11 is on the minus strand). VCF-style: chr16-15737537-C-T. GRCh37 (hg19) VCF-style: chr16-15831394-C-T.
Other names: c.3226G>A, p.Glu1076Lys (NM_001040113.2, NM_001040114.2); c.3205G>A, p.Glu1069Lys (NM_022844.3); short protein forms E1069K, E1076K.
Identifiers: ClinVar variation 1939040 (VCV001939040.2), dbSNP rs1430685942, ClinGen allele CA394863094.

ClinVar aggregate classification (germline): Uncertain significance (1 of 4 stars; one submission).

Conditions:
Aortic aneurysm, familial thoracic 4 (AAT4). Also called: AORTIC ANEURYSM/AORTIC DISSECTION AND PATENT DUCTUS ARTERIOSUS. Identifiers: MedGen C1851504, MONDO:0007568, OMIM 132900.

gnomAD v4.1: 2 of 1,614,018 alleles (0.00012%); highest among the groups gnomAD compares: East Asian, 0.0022%; no homozygotes.

Submission:

Labcorp Genetics (formerly Invitae), Labcorp
Classification: Uncertain significance for Aortic aneurysm, familial thoracic 4. Last evaluated: 2022-09-23. Review status: criteria provided, single submitter. Criteria: Invitae Variant Classification Sherloc (09022015). Collection method: clinical testing. Allele origin: germline.
Comment: This sequence change replaces glutamic acid, which is acidic and polar, with lysine, which is basic and polar, at codon 1076 of the MYH11 protein (p.Glu1076Lys). This variant is present in population databases (no rsID available, gnomAD 0.003%). This variant has not been reported in the literature in individuals affected with MYH11-related conditions. Advanced modeling of protein sequence and biophysical properties (such as structural, functional, and spatial information, amino acid conservation, physicochemical variation, residue mobility, and thermodynamic stability) performed at Invitae indicates that this missense variant is not expected to disrupt MYH11 protein function. In summary, the available evidence is currently insufficient to determine the role of this variant in disease. Therefore, it has been classified as a Variant of Uncertain Significance.